The following is an entry in ClinVar:

NM_021828.5(HPSE2):c.1055G>A (p.Arg352His)

Gene: HPSE2 (heparanase 2 (inactive); minus strand). Cytogenetic location: 10q24.2.
Variant type: single nucleotide variant.
Coding change: c.1055G>A on transcript NM_021828.5 (MANE Select); coding-DNA position 1055, G replaced by A.
Protein change: p.Arg352His; replaces arginine 352 with histidine.
Molecular consequence: missense variant.
Genome position (GRCh38, 1-based): chr10:98,641,890, C>T on the plus strand (G>A on the coding strand, the complement: HPSE2 is on the minus strand). VCF-style: chr10-98641890-C-T. GRCh37 (hg19) VCF-style: chr10-100401647-C-T.
Other names: c.1055G>A (NM_021828.4); c.881G>A, p.Arg294His (NM_001166244.1); c.719G>A, p.Arg240His (NM_001166245.1); c.1055G>A, p.Arg352His (NM_001166246.1); short protein forms R352H, R240H, R294H.
Identifiers: ClinVar variation 598662 (VCV000598662.9), dbSNP rs150939842, ClinGen allele CA5639825.

ClinVar aggregate classification (germline): Uncertain significance. Review status: criteria provided, multiple submitters, no conflicts (2 of 4 stars). 3 submissions from 3 submitters: Uncertain significance (3). Last evaluated 2024-11-10.

Conditions:
HPSE2-related disorder. Also called: HPSE2-related condition.

Allele frequency attached by ClinVar (database versions not stated): gnomAD 0.00004; gnomAD exomes 0.00006 and 0.00008; TOPMed 0.00006; ExAC 0.00010; ESP Exome Variant Server 0.00015.
gnomAD v4.1: 99 of 1,613,672 alleles (0.0061%); highest among the groups gnomAD compares: Admixed American, 0.013%; 1 homozygote.

Submissions (3):

PreventionGenetics, part of Exact Sciences
Classification: Uncertain significance for HPSE2-related condition. Last evaluated: 2024-11-10. Review status: criteria provided, single submitter. Criteria: ACMG Guidelines, 2015. Collection method: clinical testing. Allele origin: germline.
Comment: The HPSE2 c.1055G>A variant is predicted to result in the amino acid substitution p.Arg352His. To our knowledge, this variant has not been reported in the literature. This variant is reported in 0.012% of alleles in individuals of Latino descent in gnomAD. At this time, the clinical significance of this variant is uncertain due to the absence of conclusive functional and genetic evidence.

Labcorp Genetics (formerly Invitae), Labcorp
Classification: Uncertain significance. Last evaluated: 2024-10-04. Review status: criteria provided, single submitter. Criteria: Invitae Variant Classification Sherloc (09022015). Collection method: clinical testing. Allele origin: germline.
Comment: This sequence change replaces arginine, which is basic and polar, with histidine, which is basic and polar, at codon 352 of the HPSE2 protein (p.Arg352His). This variant is present in population databases (rs150939842, gnomAD 0.01%). This variant has not been reported in the literature in individuals affected with HPSE2-related conditions. ClinVar contains an entry for this variant (Variation ID: 598662). An algorithm developed to predict the effect of missense changes on protein structure and function (PolyPhen-2) suggests that this variant is likely to be disruptive. In summary, the available evidence is currently insufficient to determine the role of this variant in disease. Therefore, it has been classified as a Variant of Uncertain Significance.

Eurofins Ntd Llc (ga)
Classification: Uncertain significance. Last evaluated: 2018-09-06. Review status: criteria provided, single submitter. Criteria: EGL ClinVar v180209 classification definitions. Collection method: clinical testing. Allele origin: germline. Observed: 1 variant allele, 1 heterozygote.